The following is an entry in ClinVar:

ClinVar aggregate classification (germline): Conflicting classifications of pathogenicity. Review status: criteria provided, conflicting classifications (1 of 4 stars). 4 submissions from 4 submitters: Likely pathogenic (3); Uncertain significance (1). Last evaluated 2026-09-01.

Conditions:
Autoimmune lymphoproliferative syndrome type 1. Also called: AUTOIMMUNE LYMPHOPROLIFERATIVE SYNDROME, TYPE I, AUTOSOMAL DOMINANT. Identifiers: Orphanet 3261, MedGen C2717884, MONDO:0011158, OMIM 601859.
Splenomegaly. Also called: Enlarged Spleen. Identifiers: MedGen C0038002, HP:0001744.

Submissions (4):

CeGaT Center for Human Genetics Tuebingen
Classification: Likely pathogenic. Last evaluated: 2026-09-01. Review status: criteria provided, single submitter. Criteria: CeGaT Center For Human Genetics Tuebingen Variant Classification Criteria Version 2. Collection method: clinical testing. Allele origin: germline. Affected: yes. Observed: 3 variant alleles.
Comment: FAS: PM2, PP4:Moderate, PS4:Moderate

Labcorp Genetics (formerly Invitae), Labcorp
Classification: Likely pathogenic for Autoimmune lymphoproliferative syndrome. Last evaluated: 2024-11-27. Review status: criteria provided, single submitter. Criteria: Invitae Variant Classification Sherloc (09022015). Collection method: clinical testing. Allele origin: germline.
Comment: This sequence change replaces leucine, which is neutral and non-polar, with arginine, which is basic and polar, at codon 179 of the FAS protein (p.Leu179Arg). This variant is not present in population databases (gnomAD no frequency). This missense change has been observed in individual(s) with autoimmune lymphoproliferative syndrome (ALPS) (internal data). ClinVar contains an entry for this variant (Variation ID: 523313). Invitae Evidence Modeling of protein sequence and biophysical properties (such as structural, functional, and spatial information, amino acid conservation, physicochemical variation, residue mobility, and thermodynamic stability) indicates that this missense variant is expected to disrupt FAS protein function with a positive predictive value of 80%. In summary, the currently available evidence indicates that the variant is pathogenic, but additional data are needed to prove that conclusively. Therefore, this variant has been classified as Likely Pathogenic.

Blueprint Genetics
Classification: Uncertain significance. Last evaluated: 2019-07-04. Review status: criteria provided, single submitter. Criteria: ACMG Guidelines, 2015. Collection method: clinical testing. Allele origin: germline.

Centre for Mendelian Genomics, University Medical Centre Ljubljana
Classification: Likely pathogenic for Splenomegaly. Last evaluated: 2017-01-01. Review status: criteria provided, single submitter. Criteria: ACMG Guidelines, 2015. Collection method: clinical testing. Allele origin: unknown. Affected: yes.

NM_000043.6(FAS):c.536T>G (p.Leu179Arg)

Gene: FAS (Fas cell surface death receptor; plus strand). Cytogenetic location: 10q23.31.
Variant type: single nucleotide variant.
Coding change: c.536T>G on transcript NM_000043.6 (MANE Select); coding-DNA position 536, T replaced by G.
Protein change: p.Leu179Arg; replaces leucine 179 with arginine.
Molecular consequence: missense variant. On other transcripts: non-coding transcript variant (5), intron variant (1).
Genome position (GRCh38, 1-based): chr10:89,010,783, T>G. VCF-style: chr10-89010783-T-G. GRCh37 (hg19) VCF-style: chr10-90770540-T-G.
Other names: c.536T>G, p.Leu179Arg (NM_001320619.2, NM_152872.4); c.505+183T>G (NM_152871.4); short protein forms L179R.
Identifiers: ClinVar variation 523313 (VCV000523313.45), dbSNP rs1554851718, ClinGen allele CA377509124.